The following is an entry in ClinVar:

ClinVar aggregate classification (germline): Uncertain significance (1 of 4 stars; one submission).

Conditions:
Hypomyelination and Congenital Cataract (HLD5). Also called: hypomyelinating leukodystrophy 5. Identifiers: Orphanet 85163, MedGen C1864663, MONDO:0012514, OMIM 610532.

Submission:

Labcorp Genetics (formerly Invitae), Labcorp
Classification: Uncertain significance for Hypomyelination and Congenital Cataract. Last evaluated: 2022-07-15. Review status: criteria provided, single submitter. Criteria: Invitae Variant Classification Sherloc (09022015). Collection method: clinical testing. Allele origin: germline.
Comment: This sequence change replaces methionine, which is neutral and non-polar, with isoleucine, which is neutral and non-polar, at codon 502 of the FAM126A protein (p.Met502Ile). This variant is not present in population databases (gnomAD no frequency). This variant has not been reported in the literature in individuals affected with FAM126A-related conditions. Algorithms developed to predict the effect of missense changes on protein structure and function (SIFT, PolyPhen-2, Align-GVGD) all suggest that this variant is likely to be tolerated. In summary, the available evidence is currently insufficient to determine the role of this variant in disease. Therefore, it has been classified as a Variant of Uncertain Significance.

NM_032581.4(HYCC1):c.1506G>A (p.Met502Ile)

Gene: HYCC1 (hyccin PI4KA lipid kinase complex subunit 1; minus strand). Cytogenetic location: 7p15.3.
Variant type: single nucleotide variant.
Coding change: c.1506G>A on transcript NM_032581.4 (MANE Select); coding-DNA position 1506, G replaced by A.
Protein change: p.Met502Ile; replaces methionine 502 with isoleucine.
Molecular consequence: missense variant. On other transcripts: 3 prime UTR variant (2).
Genome position (GRCh38, 1-based): chr7:22,945,649, C>T on the plus strand (G>A on the coding strand, the complement: HYCC1 is on the minus strand). VCF-style: chr7-22945649-C-T. GRCh37 (hg19) VCF-style: chr7-22985268-C-T.
Other names: c.*542G>A (NM_001363466.2); c.*500G>A (NM_001363467.2); short protein forms M502I.
Identifiers: ClinVar variation 1932044 (VCV001932044.2), dbSNP rs2534332424, ClinGen allele CA366969452.